The following is an entry in ClinVar:

ClinVar aggregate classification (germline): Likely benign (1 of 4 stars; one submission).

gnomAD v4.1: 6,758 of 1,613,382 alleles (0.42%); highest among the groups gnomAD compares: Non-Finnish European, 0.54%; 15 homozygotes.

Submission:

CeGaT Center for Human Genetics Tuebingen
Classification: Likely benign. Last evaluated: 2026-04-01. Review status: criteria provided, single submitter. Criteria: CeGaT Center For Human Genetics Tuebingen Variant Classification Criteria Version 2. Collection method: clinical testing. Allele origin: germline. Affected: yes. Observed: 10 variant alleles.
Comment: GNAI1: PP3, BS2

NM_002069.6(GNAI1):c.380T>C (p.Ile127Thr)

Gene: GNAI1 (G protein subunit alpha i1; plus strand). Cytogenetic location: 7q21.11.
Variant type: single nucleotide variant.
Coding change: c.380T>C on transcript NM_002069.6 (MANE Select); coding-DNA position 380, T replaced by C.
Protein change: p.Ile127Thr; replaces isoleucine 127 with threonine.
Molecular consequence: missense variant.
Genome position (GRCh38, 1-based): chr7:80,199,301, T>C. VCF-style: chr7-80199301-T-C. GRCh37 (hg19) VCF-style: chr7-79828617-T-C.
Other names: c.224T>C, p.Ile75Thr (NM_001256414.2); short protein forms I127T, I75T.
Identifiers: ClinVar variation 3770590 (VCV003770590.13).